The following is an entry in ClinVar:

NM_000158.4(GBE1):c.2056T>C (p.Tyr686His)

Gene: GBE1 (1,4-alpha-glucan branching enzyme 1; minus strand). Cytogenetic location: 3p12.2.
Variant type: single nucleotide variant.
Coding change: c.2056T>C on transcript NM_000158.4 (MANE Select); coding-DNA position 2056, T replaced by C.
Protein change: p.Tyr686His; replaces tyrosine 686 with histidine.
Molecular consequence: missense variant.
Genome position (GRCh38, 1-based): chr3:81,490,460, A>G on the plus strand (T>C on the coding strand, the complement: GBE1 is on the minus strand). VCF-style: chr3-81490460-A-G. GRCh37 (hg19) VCF-style: chr3-81539611-A-G.
Other names: NM_000158.4:c.2056T>C; short protein forms Y686H.
Identifiers: ClinVar variation 1341384 (VCV001341384.5), dbSNP rs754607405, ClinGen allele CA2499463.

ClinVar aggregate classification (germline): Uncertain significance. Review status: criteria provided, multiple submitters, no conflicts (2 of 4 stars). 3 submissions from 3 submitters: Uncertain significance (3). Last evaluated 2025-01-11.

Conditions:
Glycogen storage disease IV, classic hepatic. Also called: GSD IV, CLASSIC HEPATIC. Identifiers: MedGen C1856301.
Glycogen storage disease, type IV (GSD4). Also called: AMYLOPECTINOSIS; ANDERSEN DISEASE; BRANCHER DEFICIENCY; Glycogen storage disease due to glycogen branching enzyme deficiency; CIRRHOSIS, FAMILIAL, WITH DEPOSITION OF ABNORMAL GLYCOGEN; GBE1 DEFICIENCY. Identifiers: Orphanet 367, MedGen C0017923, MONDO:0009292, OMIM 232500.

Allele frequency attached by ClinVar (database versions not stated): ExAC 0.00001; gnomAD exomes 0.00002 and 0.00008; gnomAD 0.00034 and 0.00035; TOPMed 0.00034.
gnomAD v4.1: 84 of 1,612,384 alleles (0.0052%); highest among the groups gnomAD compares: Admixed American, 0.12%; 1 homozygote.

Submissions (3):

Labcorp Genetics (formerly Invitae), Labcorp
Classification: Uncertain significance for Glycogen storage disease, type IV; Glycogen storage disease IV, classic hepatic. Last evaluated: 2025-01-11. Review status: criteria provided, single submitter. Criteria: Invitae Variant Classification Sherloc (09022015). Collection method: clinical testing. Allele origin: germline.
Comment: This sequence change replaces tyrosine, which is neutral and polar, with histidine, which is basic and polar, at codon 686 of the GBE1 protein (p.Tyr686His). This variant is present in population databases (rs754607405, gnomAD 0.05%). This missense change has been observed in individual(s) with glycogen storage disease (PMID: 29379554). In at least one individual the data is consistent with being in trans (on the opposite chromosome) from a pathogenic variant. ClinVar contains an entry for this variant (Variation ID: 1341384). Invitae Evidence Modeling of protein sequence and biophysical properties (such as structural, functional, and spatial information, amino acid conservation, physicochemical variation, residue mobility, and thermodynamic stability) indicates that this missense variant is not expected to disrupt GBE1 protein function with a negative predictive value of 95%. In summary, the available evidence is currently insufficient to determine the role of this variant in disease. Therefore, it has been classified as a Variant of Uncertain Significance.

Mendelics
Classification: Uncertain significance. Last evaluated: 2022-05-04. Review status: criteria provided, single submitter. Criteria: Mendelics Assertion Criteria 2019. Collection method: clinical testing. Allele origin: germline.

Broad Center for Mendelian Genomics, Broad Institute of MIT and Harvard
Classification: Uncertain significance for Glycogen storage disease, type IV. Last evaluated: 2022-01-27. Review status: criteria provided, single submitter. Criteria: ACMG Guidelines, 2015. Collection method: curation. Allele origin: germline. Inheritance: Autosomal recessive inheritance.
Comment: The p.Tyr686His variant in GBE1 has been reported in 1 individual in the compound heterozygous state with glycogen storage disease type IV (GSD IV) (PMID: 29379554) and has been identified in 0.05% (18/34256) of Latino/Admixed American chromosomes by the Genome Aggregation Database (gnomAD; dbSNP ID: rs754607405). Although this variant has been seen in the general population in a heterozygous state, its frequency is not high enough to rule out a pathogenic role. Computational prediction tools and conservation analyses suggest that this variant may impact the protein, though this information is not predictive enough to determine pathogenicity. In summary, the clinical significance of the p.Tyr686His variant is uncertain. ACMG/AMP Criteria applied: PP3 (Richards 2015).

Literature cited by the submitters: PubMed 29379554 (cited by Labcorp Genetics (formerly Invitae), Labcorp).